The following is an entry in ClinVar:

NM_000043.6(FAS):c.569-1G>T

Gene: FAS (Fas cell surface death receptor; plus strand). Cytogenetic location: 10q23.31.
Variant type: single nucleotide variant.
Coding change: c.569-1G>T on transcript NM_000043.6 (MANE Select); the canonical splice acceptor site of the intron before coding-DNA position 569, G replaced by T.
Molecular consequence: splice acceptor variant. On other transcripts: intron variant (1).
Genome position (GRCh38, 1-based): chr10:89,011,998, G>T. VCF-style: chr10-89011998-G-T. GRCh37 (hg19) VCF-style: chr10-90771755-G-T.
Other names: c.569-1G>T (NM_152872.4); c.568+1183G>T (NM_001320619.2); c.506-1G>T (NM_152871.4); c.614-1G>T (NM_001410956.1).
Identifiers: ClinVar variation 2029508 (VCV002029508.4), dbSNP rs2495184504, ClinGen allele CA377509202.

ClinVar aggregate classification (germline): Likely pathogenic (1 of 4 stars; one submission).

Conditions:
Autoimmune lymphoproliferative syndrome type 1. Also called: AUTOIMMUNE LYMPHOPROLIFERATIVE SYNDROME, TYPE I, AUTOSOMAL DOMINANT. Identifiers: Orphanet 3261, MedGen C2717884, MONDO:0011158, OMIM 601859.

Submission:

Labcorp Genetics (formerly Invitae), Labcorp
Classification: Likely pathogenic for Autoimmune lymphoproliferative syndrome. Last evaluated: 2022-09-07. Review status: criteria provided, single submitter. Criteria: Invitae Variant Classification Sherloc (09022015). Collection method: clinical testing. Allele origin: germline.
Comment: This sequence change affects an acceptor splice site in intron 6 of the FAS gene. It is expected to disrupt RNA splicing. Variants that disrupt the donor or acceptor splice site typically lead to a loss of protein function (PMID: 16199547), and loss-of-function variants in FAS are known to be pathogenic (PMID: 10875918, 22237435). This variant is not present in population databases (gnomAD no frequency). This variant has not been reported in the literature in individuals affected with FAS-related conditions. Algorithms developed to predict the effect of sequence changes on RNA splicing suggest that this variant may disrupt the consensus splice site. In summary, the currently available evidence indicates that the variant is pathogenic, but additional data are needed to prove that conclusively. Therefore, this variant has been classified as Likely Pathogenic.

Literature cited by the submitters: PubMed 16199547; PubMed 10875918; PubMed 22237435.